The following is an entry in ClinVar:

ClinVar aggregate classification (germline): Pathogenic (1 of 4 stars; one submission).

Conditions:
Progressive sclerosing poliodystrophy (MTDPS4A). Also called: ALPERS PROGRESSIVE INFANTILE POLIODYSTROPHY; NEURONAL DEGENERATION OF CHILDHOOD WITH LIVER DISEASE, PROGRESSIVE; Alpers Syndrome; ALPERS DIFFUSE DEGENERATION OF CEREBRAL GRAY MATTER WITH HEPATIC CIRRHOSIS; Alpers-Huttenlocher Syndrome; Mitochondrial DNA depletion syndrome 4A (Alpers type). Identifiers: Orphanet 726, MedGen C0205710, MONDO:0008758, OMIM 203700.

Submission:

Labcorp Genetics (formerly Invitae), Labcorp
Classification: Pathogenic for Progressive sclerosing poliodystrophy. Last evaluated: 2023-09-06. Review status: criteria provided, single submitter. Criteria: Invitae Variant Classification Sherloc (09022015). Collection method: clinical testing. Allele origin: germline.
Comment: This variant has not been reported in the literature in individuals affected with POLG-related conditions. This variant is not present in population databases (gnomAD no frequency). This sequence change creates a premature translational stop signal (p.Ala1165Leufs*7) in the POLG gene. It is expected to result in an absent or disrupted protein product. Loss-of-function variants in POLG are known to be pathogenic (PMID: 18546365). For these reasons, this variant has been classified as Pathogenic.

Literature cited by the submitters: PubMed 18546365.

NM_002693.3(POLG):c.3491_3492dup (p.Ala1165fs)

Gene: POLG (DNA polymerase gamma, catalytic subunit; minus strand). Cytogenetic location: 15q26.1.
Variant type: Duplication.
Coding change: c.3491_3492dup on transcript NM_002693.3 (MANE Select); coding-DNA positions 3491 to 3492, 2 bases duplicated (TT; older notation c.3491_3492dupTT).
Protein change: p.Ala1165fs; shifts the reading frame from alanine 1165.
Molecular consequence: frameshift variant.
Genome position (GRCh38, 1-based): chr15:89,317,527-89,317,528, AA duplicated on the plus strand (TT on the coding strand, the reverse complement: POLG is on the minus strand); duplicating any 2 consecutive bases within chr15:89,317,527-89,317,529 gives the same sequence; the c. name uses the placement nearest the transcript's 3' end. VCF-style (leftmost placement, unchanged base first): chr15-89317526-C-CAA. GRCh37 (hg19) VCF-style: chr15-89860757-C-CAA.
Other names: c.3491_3492dup, p.Ala1165fs (NM_001126131.2); short protein forms A1165fs.
Identifiers: ClinVar variation 2758363 (VCV002758363.3), dbSNP rs2509187011, ClinGen allele CA2697549287.